The following is an entry in ClinVar:

ClinVar aggregate classification (germline): Benign/Likely benign. Review status: criteria provided, multiple submitters, no conflicts (2 of 4 stars). 4 submissions from 4 submitters: Benign (1); Likely benign (3). Last evaluated 2026-08-01.

Conditions:
Compton-North congenital myopathy (CMYO12). Identifiers: Orphanet 210163, MedGen C2675527, MONDO:0012929, OMIM 612540.

Allele frequency attached by ClinVar (database versions not stated): gnomAD exomes 0.00010 and 0.00036; ExAC 0.00035; ESP Exome Variant Server 0.00100; gnomAD 0.00135 and 0.00138; TOPMed 0.00135; 1000 Genomes Project 30x 0.00203; 1000 Genomes Project 0.00220.
gnomAD v4.1: 360 of 1,613,448 alleles (0.022%); highest among the groups gnomAD compares: African/African-American, 0.39%; no homozygotes.

Submissions (4):

CeGaT Center for Human Genetics Tuebingen
Classification: Likely benign. Last evaluated: 2026-08-01. Review status: criteria provided, single submitter. Criteria: CeGaT Center For Human Genetics Tuebingen Variant Classification Criteria Version 2. Collection method: clinical testing. Allele origin: germline. Affected: yes. Observed: 1 variant allele.
Comment: CNTN1: BP4, BP7

Labcorp Genetics (formerly Invitae), Labcorp
Classification: Benign for Compton-North congenital myopathy. Last evaluated: 2026-01-14. Review status: criteria provided, single submitter. Criteria: Invitae Variant Classification Sherloc (09022015). Collection method: clinical testing. Allele origin: germline.

Blueprint Genetics
Classification: Likely benign. Last evaluated: 2023-12-04. Review status: criteria provided, single submitter. Criteria: ACMG Guidelines, 2015. Collection method: clinical testing. Allele origin: germline.

GeneDx
Classification: Likely benign. Last evaluated: 2021-04-28. Review status: criteria provided, single submitter. Criteria: GeneDx Variant Classification Process June 2021. Collection method: clinical testing. Allele origin: germline. Affected: yes.

NM_001843.4(CNTN1):c.1911C>T (p.Tyr637=)

Gene: CNTN1 (contactin 1; plus strand). Cytogenetic location: 12q12.
Variant type: single nucleotide variant.
Coding change: c.1911C>T on transcript NM_001843.4 (MANE Select); coding-DNA position 1911, C replaced by T.
Protein change: p.Tyr637=; no amino-acid change (tyrosine 637 retained).
Molecular consequence: synonymous variant.
Genome position (GRCh38, 1-based): chr12:40,981,015, C>T. VCF-style: chr12-40981015-C-T. GRCh37 (hg19) VCF-style: chr12-41374817-C-T.
Other names: c.1878C>T, p.Tyr626= (NM_175038.2).
Identifiers: ClinVar variation 507229 (VCV000507229.54), dbSNP rs61759481, ClinGen allele CA6517006.